The following is an entry in ClinVar:

ClinVar aggregate classification (germline): Uncertain significance (1 of 4 stars; one submission).

gnomAD v4.1: 2 of 1,613,822 alleles (0.00012%); highest among the groups gnomAD compares: Admixed American, 0.0017%; no homozygotes.

Submission:

Ambry Genetics
Classification: Uncertain significance. Last evaluated: 2026-01-02. Review status: criteria provided, single submitter. Criteria: Ambry Variant Classification Scheme 2023. Collection method: clinical testing. Allele origin: germline.
Comment: The p.R1327* variant (also known as c.3979C>T), located in coding exon 36 of the KIF1B gene, results from a C to T substitution at nucleotide position 3979. This changes the amino acid from an arginine to a stop codon within coding exon 36. The evidence for this gene-disease relationship is limited; therefore, the clinical significance of this alteration is unclear.

NM_001365951.3(KIF1B):c.4117C>T (p.Arg1373Ter)

Gene: KIF1B (kinesin family member 1B; plus strand). Cytogenetic location: 1p36.22.
Variant type: single nucleotide variant.
Coding change: c.4117C>T on transcript NM_001365951.3 (MANE Select); coding-DNA position 4117, C replaced by T.
Protein change: p.Arg1373Ter; replaces arginine 1373 with a stop codon.
Molecular consequence: nonsense.
Genome position (GRCh38, 1-based): chr1:10,360,990, C>T. VCF-style: chr1-10360990-C-T. GRCh37 (hg19) VCF-style: chr1-10421048-C-T.
Other names: c.4117C>T, p.Arg1373Ter (NM_001365952.1); c.3979C>T, p.Arg1327Ter (NM_015074.3); short protein forms R1327*, R1373*.
Identifiers: ClinVar variation 4844554 (VCV004844554.1).